The following is an entry in ClinVar:

ClinVar aggregate classification (germline): Uncertain significance (1 of 4 stars; one submission).

Conditions:
Neuropathy, hereditary sensory, type 1F. Also called: HSN IF; Hereditary sensory neuropathy type IF. Identifiers: Orphanet 36386, MedGen C3810194, MONDO:0014286, OMIM 615632.

Allele frequency attached by ClinVar (database versions not stated): gnomAD exomes below 0.00001.
gnomAD v4.1: 1 of 1,588,134 alleles (0.000063%); highest among the groups gnomAD compares: Non-Finnish European, 0.000086%; no homozygotes.

Submission:

Labcorp Genetics (formerly Invitae), Labcorp
Classification: Uncertain significance for Neuropathy, hereditary sensory, type 1F. Last evaluated: 2022-07-13. Review status: criteria provided, single submitter. Criteria: Invitae Variant Classification Sherloc (09022015). Collection method: clinical testing. Allele origin: germline.
Comment: This variant has not been reported in the literature in individuals affected with ATL3-related conditions. In summary, the available evidence is currently insufficient to determine the role of this variant in disease. Therefore, it has been classified as a Variant of Uncertain Significance. Algorithms developed to predict the effect of missense changes on protein structure and function output the following: SIFT: "Tolerated"; PolyPhen-2: "Benign"; Align-GVGD: "Class C0". The valine amino acid residue is found in multiple mammalian species, which suggests that this missense change does not adversely affect protein function. The frequency data for this variant in the population databases is considered unreliable, as metrics indicate poor data quality at this position in the gnomAD database. This sequence change replaces alanine, which is neutral and non-polar, with valine, which is neutral and non-polar, at codon 10 of the ATL3 protein (p.Ala10Val).

NM_015459.5(ATL3):c.29C>T (p.Ala10Val)

Gene: ATL3 (atlastin GTPase 3; minus strand). Cytogenetic location: 11q13.1.
Variant type: single nucleotide variant.
Coding change: c.29C>T on transcript NM_015459.5 (MANE Select); coding-DNA position 29, C replaced by T.
Protein change: p.Ala10Val; replaces alanine 10 with valine.
Molecular consequence: missense variant. On other transcripts: intron variant (1).
Genome position (GRCh38, 1-based): chr11:63,671,307, G>A on the plus strand (C>T on the coding strand, the complement: ATL3 is on the minus strand). VCF-style: chr11-63671307-G-A. GRCh37 (hg19) VCF-style: chr11-63438779-G-A.
Other names: c.-9+329C>T (NM_001290048.2); short protein forms A10V.
Identifiers: ClinVar variation 2016741 (VCV002016741.4), dbSNP rs1386857616, ClinGen allele CA381032790.